The following is an entry in ClinVar:

NM_014363.6(SACS):c.10730C>A (p.Thr3577Lys)

Gene: SACS (sacsin molecular chaperone; minus strand). Cytogenetic location: 13q12.12.
Variant type: single nucleotide variant.
Coding change: c.10730C>A on transcript NM_014363.6 (MANE Select); coding-DNA position 10730, C replaced by A.
Protein change: p.Thr3577Lys; replaces threonine 3577 with lysine.
Molecular consequence: missense variant.
Genome position (GRCh38, 1-based): chr13:23,333,146, G>T on the plus strand (C>A on the coding strand, the complement: SACS is on the minus strand). VCF-style: chr13-23333146-G-T. GRCh37 (hg19) VCF-style: chr13-23907285-G-T.
Other names: p.Thr3577Lys; c.10289C>A, p.Thr3430Lys (NM_001278055.2); short protein forms T3430K, T3577K.
Identifiers: ClinVar variation 2623430 (VCV002623430.3), dbSNP rs2542181120, ClinGen allele CA387511548.
Genomic context (GRCh38, chr13:23,333,146, plus strand): 5'-TGAGAAAGTATGTATTTTAGTCCAATATTTCTTAAGAATTCCACCCAGGATGTCATAAAT[G>T]TAACATGATTTTTGGGTTTTATAAGTTGTTCCAATTTCTTAAAGAAATCATTAGGAATAA-3'
Protein context (NP_055178.3, residues 3567-3587): EQLIKPKNHV[Thr3577Lys]FMTSWVEFLR

ClinVar aggregate classification (germline): Uncertain significance. Review status: criteria provided, multiple submitters, no conflicts (2 of 4 stars). 2 submissions from 2 submitters: Uncertain significance (2). Last evaluated 2024-06-19.

Conditions:
Inborn genetic diseases. Identifiers: MedGen C0950123, MeSH D030342.

Submissions (2):

Mayo Clinic Laboratories, Mayo Clinic
Classification: Uncertain significance. Last evaluated: 2024-06-19. Review status: criteria provided, single submitter. Criteria: ACMG Guidelines, 2015. Collection method: clinical testing. Allele origin: germline. Observed: 1 variant allele.
Comment: BP4, PM2

Ambry Genetics
Classification: Uncertain significance for Inborn genetic diseases. Last evaluated: 2023-09-13. Review status: criteria provided, single submitter. Criteria: Ambry Variant Classification Scheme 2023. Collection method: clinical testing. Allele origin: germline.